The following is an entry in ClinVar:

NM_198834.3(ACACA):c.3742A>G (p.Met1248Val)

Gene: ACACA (acetyl-CoA carboxylase alpha; minus strand). Cytogenetic location: 17q12.
Variant type: single nucleotide variant.
Coding change: c.3742A>G on transcript NM_198834.3 (MANE Select); coding-DNA position 3742, A replaced by G.
Protein change: p.Met1248Val; replaces methionine 1248 with valine.
Molecular consequence: missense variant.
Genome position (GRCh38, 1-based): chr17:37,207,766, T>C on the plus strand (A>G on the coding strand, the complement: ACACA is on the minus strand). VCF-style: chr17-37207766-T-C. GRCh37 (hg19) VCF-style: chr17-35564680-T-C.
Other names: c.3742A>G (NM_198834.2); c.3631A>G, p.Met1211Val (NM_198836.3, NM_198839.3); c.3457A>G, p.Met1153Val (NM_198837.2); c.3397A>G, p.Met1133Val (NM_198838.2); short protein forms M1133V, M1153V, M1211V, M1248V.
Identifiers: ClinVar variation 1988852 (VCV001988852.6), dbSNP rs147833219, ClinGen allele CA8515247.
Genomic context (GRCh38, chr17:37,207,766, plus strand): 5'-GACAAGGTGGAGTGAATGAGTTGTCCAACAGTACATCGCTGACACTAGCTACATGGGTCA[T>C]GCCATAGTGGTTGAGGTTGGAGGAGAAGGACATTCTAAATGGTAATTCAATCACGTTCAT-3'
Protein context (NP_942131.1, residues 1238-1258): SFSSNLNHYG[Met1248Val]THVASVSDVL

ClinVar aggregate classification (germline): Benign. Review status: criteria provided, single submitter (1 of 4 stars). 2 submissions from 2 submitters: Benign (1). 1 of the submissions does not count toward it. Last evaluated 2026-01-25.

Conditions:
ACACA-related disorder. Also called: ACACA-related condition.

Allele frequency attached by ClinVar (database versions not stated): gnomAD exomes 0.00024; ExAC 0.00085; ESP Exome Variant Server 0.00208; gnomAD 0.00275; TOPMed 0.00283; 1000 Genomes Project 0.00399; 1000 Genomes Project 30x 0.00406.

Submissions (2):

Labcorp Genetics (formerly Invitae), Labcorp
Classification: Benign. Last evaluated: 2026-01-25. Review status: criteria provided, single submitter. Criteria: Invitae Variant Classification Sherloc (09022015). Collection method: clinical testing. Allele origin: germline.

PreventionGenetics, part of Exact Sciences
Classification: Benign for ACACA-related condition. Last evaluated: 2019-05-28. Review status: no assertion criteria provided. Collection method: clinical testing. Allele origin: germline. Not counted in ClinVar's aggregate classification.
Comment: This variant is classified as benign based on ACMG/AMP sequence variant interpretation guidelines (Richards et al. 2015 PMID: 25741868, with internal and published modifications).